The following is an entry in ClinVar:

NM_003072.5(SMARCA4):c.4897G>C (p.Glu1633Gln)

Gene: SMARCA4 (SWI/SNF related BAF chromatin remodeling complex subunit ATPase 4; plus strand). Cytogenetic location: 19p13.2.
Variant type: single nucleotide variant.
Coding change: c.4897G>C on transcript NM_003072.5 (MANE Select); coding-DNA position 4897, G replaced by C.
Protein change: p.Glu1633Gln; replaces glutamic acid 1633 with glutamine.
Molecular consequence: missense variant. On other transcripts: non-coding transcript variant (1).
Genome position (GRCh38, 1-based): chr19:11,060,173, G>C. VCF-style: chr19-11060173-G-C. GRCh37 (hg19) VCF-style: chr19-11170849-G-C.
Other names: c.4897G>C, p.Glu1633Gln (NM_001128844.3); c.4807G>C, p.Glu1603Gln (NM_001128845.2); c.4804G>C, p.Glu1602Gln (NM_001128846.2); c.4798G>C, p.Glu1600Gln (NM_001128847.4, NM_001374457.1); c.4795G>C, p.Glu1599Gln (NM_001128848.2); c.4993G>C, p.Glu1665Gln (NM_001128849.3, NM_001387283.1); c.4894G>C, p.Glu1632Gln (NM_001411150.1); short protein forms E1599Q, E1665Q, E1632Q, E1600Q, E1602Q, E1603Q, E1633Q.
Identifiers: ClinVar variation 2587146 (VCV002587146.2), dbSNP rs2076782634, ClinGen allele CA404080966.

ClinVar aggregate classification (germline): Uncertain significance (1 of 4 stars; one submission).

Conditions:
Hereditary cancer-predisposing syndrome. Also called: Tumor predisposition; Hereditary Cancer Syndrome; Hereditary neoplastic syndrome; Neoplastic Syndromes, Hereditary. Identifiers: Orphanet 140162, MedGen C0027672, MeSH D009386, MONDO:0015356.

gnomAD v4.1: 2 of 1,551,080 alleles (0.00013%); highest among the groups gnomAD compares: Non-Finnish European, 0.00017%; no homozygotes.

Submission:

Ambry Genetics
Classification: Uncertain significance for Hereditary cancer-predisposing syndrome. Last evaluated: 2023-08-24. Review status: criteria provided, single submitter. Criteria: Ambry Variant Classification Scheme 2023. Collection method: clinical testing. Allele origin: germline.
Comment: The p.E1665Q variant (also known as c.4993G>C), located in coding exon 34 of the SMARCA4 gene, results from a G to C substitution at nucleotide position 4993. The glutamic acid at codon 1665 is replaced by glutamine, an amino acid with highly similar properties. This amino acid position is well conserved in available vertebrate species. In addition, the in silico prediction for this alteration is inconclusive. Missense and in-frame variants in SMARCA4 are known to cause neurodevelopmental disorders; however, such associations with rhabdoid tumor predisposition syndrome including small cell carcinoma of the ovary-hypercalcemic type (SCCOHT) are exceedingly rare (Kosho T et al. Am J Med Genet C Semin Med Genet. 2014 Sep;166C(3):262-75; Jelinic P et al. Nat Genet. 2014 May;46(5):424-6). Based on the supporting evidence, the association of this alteration with Coffin-Siris syndrome is unknown; however, the association of this alteration with rhabdoid tumor predisposition syndrome is unlikely.